The following is an entry in ClinVar:

ClinVar aggregate classification (germline): Likely benign. Review status: criteria provided, single submitter (1 of 4 stars). 2 submissions from 2 submitters: Likely benign (1). 1 of the submissions does not count toward it. Last evaluated 2023-11-17.

Conditions:
MMAA-related disorder. Also called: MMAA-related condition.
Methylmalonic aciduria, cblA type (MACA). Also called: Vitamin B12-responsive methylmalonic acidemia type cblA; Methylmalonic aciduria, vitamin b12-responsive, due to defect in synthesis of adenosylcobalamin, cbla complementation type; MMA cbl A type; Methylmalonic acidemia cblA type; Methylmalonic aciduria, vitamin B12-responsive. Identifiers: Orphanet 28, Orphanet 79310, MedGen C1855109, MONDO:0009613, OMIM 251100.

Allele frequency attached by ClinVar (database versions not stated): ExAC 0.00002; gnomAD exomes 0.00002 and 0.00003; TOPMed 0.00002; gnomAD 0.00004.
gnomAD v4.1: 50 of 1,613,856 alleles (0.0031%); highest among the groups gnomAD compares: Non-Finnish European, 0.004%; no homozygotes.

Submissions (2):

Labcorp Genetics (formerly Invitae), Labcorp
Classification: Likely benign for Methylmalonic aciduria, cblA type. Last evaluated: 2023-11-17. Review status: criteria provided, single submitter. Criteria: Invitae Variant Classification Sherloc (09022015). Collection method: clinical testing. Allele origin: germline.

PreventionGenetics, part of Exact Sciences
Classification: Likely benign for MMAA-related condition. Last evaluated: 2020-01-16. Review status: no assertion criteria provided. Collection method: clinical testing. Allele origin: germline. Not counted in ClinVar's aggregate classification.
Comment: This variant is classified as likely benign based on ACMG/AMP sequence variant interpretation guidelines (Richards et al. 2015 PMID: 25741868, with internal and published modifications).

NM_172250.3(MMAA):c.378A>G (p.Val126=)

Gene: MMAA (metabolism of cobalamin associated A; plus strand). Cytogenetic location: 4q31.21.
Variant type: single nucleotide variant.
Coding change: c.378A>G on transcript NM_172250.3 (MANE Select); coding-DNA position 378, A replaced by G.
Protein change: p.Val126=; no amino-acid change (valine 126 retained).
Molecular consequence: synonymous variant.
Genome position (GRCh38, 1-based): chr4:145,639,517, A>G. VCF-style: chr4-145639517-A-G. GRCh37 (hg19) VCF-style: chr4-146560669-A-G.
Other names: c.378A>G (NM_172250.2); c.378A>G, p.Val126= (NM_001375644.1).
Identifiers: ClinVar variation 1117756 (VCV001117756.11), dbSNP rs750237065, ClinGen allele CA3095161.